The following is an entry in ClinVar:

NM_001042492.3(NF1):c.5557A>G (p.Thr1853Ala)

Gene: NF1 (neurofibromin 1; plus strand). Cytogenetic location: 17q11.2.
Variant type: single nucleotide variant.
Coding change: c.5557A>G on transcript NM_001042492.3 (MANE Select); coding-DNA position 5557, A replaced by G.
Protein change: p.Thr1853Ala; replaces threonine 1853 with alanine.
Molecular consequence: missense variant.
Genome position (GRCh38, 1-based): chr17:31,327,787, A>G. VCF-style: chr17-31327787-A-G. GRCh37 (hg19) VCF-style: chr17-29654805-A-G.
Other names: c.5494A>G, p.Thr1832Ala (NM_000267.4); short protein forms T1832A, T1853A.
Identifiers: ClinVar variation 4119118 (VCV004119118.3).

ClinVar aggregate classification (germline): Uncertain significance. Review status: criteria provided, multiple submitters, no conflicts (2 of 4 stars). 2 submissions from 2 submitters: Uncertain significance (2). Last evaluated 2025-07-28.

Conditions:
Neurofibromatosis, type 1 (NF1). Also called: NEUROFIBROMATOSIS, TYPE I, SOMATIC; Peripheral type neurofibromatosis; Neurofibromatosis, type I; VON RECKLINGHAUSEN DISEASE. Identifiers: Orphanet 636, MedGen C0027831, MONDO:0018975, OMIM 162200. Disease mechanism: loss of function.
Hereditary cancer-predisposing syndrome. Also called: Neoplastic Syndromes, Hereditary; Tumor predisposition; Hereditary Cancer Syndrome; Hereditary neoplastic syndrome. Identifiers: Orphanet 140162, MedGen C0027672, MeSH D009386, MONDO:0015356.
Cardiovascular phenotype. Identifiers: MedGen CN230736.

Submissions (2):

Ambry Genetics
Classification: Uncertain significance for Cardiovascular phenotype; Hereditary cancer-predisposing syndrome. Last evaluated: 2025-07-28. Review status: criteria provided, single submitter. Criteria: Ambry Variant Classification Scheme 2023. Collection method: clinical testing. Allele origin: germline.
Comment: The p.T1832A variant (also known as c.5494A>G), located in coding exon 37 of the NF1 gene, results from an A to G substitution at nucleotide position 5494. The threonine at codon 1832 is replaced by alanine, an amino acid with similar properties. This amino acid position is conserved. In addition, this alteration is predicted to be deleterious by in silico analysis. Based on the available evidence, the clinical significance of this variant remains unclear.

Victorian Clinical Genetics Services, Murdoch Childrens Research Institute
Classification: Uncertain significance for Neurofibromatosis, type 1. Last evaluated: 2025-01-13. Review status: criteria provided, single submitter. Criteria: ACMG Guidelines, 2015. Collection method: clinical testing. Allele origin: germline. Affected: yes.
Comment: This variant is classified as VUS-3A. Evidence in support of pathogenic classification: Variant is absent from gnomAD (v2, v3 and v4); Missense variant predicted to be damaging by in silico tool(s) or highly conserved with a major amino acid change; Additional information: Variant is predicted to result in a missense amino acid change from threonine to alanine; This variant is heterozygous; This gene is associated with autosomal dominant disease; This variant has no previous evidence of pathogenicity; No published segregation evidence has been identified for this variant; No published functional evidence has been identified for this variant; Another missense variant(s) comparable to the one identified in this case has inconclusive previous evidence for pathogenicity. p.(Thr1853Arg) has been classified as a VUS twice by clinical laboratories in ClinVar. This same variant has been reported in an individual with classical neurofibromatosis (PMID: 36612057); Variant is not located in an established domain, motif, hotspot or informative constraint region; Loss of function is a known mechanism of disease in this gene and is associated with neurofibromatosis, type 1 (MONDO:0018975); Variants in this gene are known to have variable expressivity. Disease manifestation can be extremely variable, even within a family (PMID: 20301288).

Literature cited by the submitters: PubMed 20301288 (cited by Victorian Clinical Genetics Services, Murdoch Childrens Research Institute); PubMed 36612057 (cited by Victorian Clinical Genetics Services, Murdoch Childrens Research Institute).